The following is an entry in ClinVar:

NM_000023.4(SGCA):c.312+19A>C

Gene: SGCA (sarcoglycan alpha; plus strand). Cytogenetic location: 17q21.33.
Variant type: single nucleotide variant.
Coding change: c.312+19A>C on transcript NM_000023.4 (MANE Select); 19 bases into the intron after coding-DNA position 312, A replaced by C.
Molecular consequence: intron variant.
Genome position (GRCh38, 1-based): chr17:50,167,755, A>C. VCF-style: chr17-50167755-A-C. GRCh37 (hg19) VCF-style: chr17-48245116-A-C.
Other names: c.312+19A>C (LRG_203t1, NM_001135697.3).
Identifiers: ClinVar variation 388100 (VCV000388100.11), dbSNP rs527959287, ClinGen allele CA8643754.

ClinVar aggregate classification (germline): Likely benign. Review status: reviewed by expert panel (3 of 4 stars). 5 submissions from 5 submitters: Likely benign (1). 4 of the submissions do not count toward it. Last evaluated 2025-01-09.

Conditions:
Autosomal recessive limb-girdle muscular dystrophy. Identifiers: Orphanet 102015, MedGen C2931907, MONDO:0015152.
Autosomal recessive limb-girdle muscular dystrophy type 2D (LGMDR3). Also called: MUSCULAR DYSTROPHY, LIMB-GIRDLE, AUTOSOMAL RECESSIVE 3; ADHALINOPATHY, PRIMARY; DUCHENNE-LIKE AUTOSOMAL RECESSIVE MUSCULAR DYSTROPHY, TYPE 2. Identifiers: Orphanet 62, MedGen C2936332, MONDO:0011968, OMIM 608099. Disease mechanism: Affects gamma-sarcoglycan and also disrupts the integrity of the entire sarcoglycan complex..

Allele frequency attached by ClinVar (database versions not stated): gnomAD 0.00001 and 0.00004; TOPMed 0.00003; gnomAD exomes 0.00011 and 0.00016; 1000 Genomes Project 30x 0.00016; ExAC 0.00016; 1000 Genomes Project 0.00020.
gnomAD v4.1: 160 of 1,602,596 alleles (0.01%); highest among the groups gnomAD compares: South Asian, 0.11%; 3 homozygotes.

Submissions (5):

ClinGen Limb Girdle Muscular Dystrophy Variant Curation Expert Panel, ClinGen
Classification: Likely benign for Autosomal recessive limb-girdle muscular dystrophy. Last evaluated: 2025-01-09. Review status: reviewed by expert panel. Criteria: ClinGen LGMD VCEP ACMG Specifications SGCA V1.0.0. Collection method: curation. Allele origin: germline. Inheritance: Autosomal recessive inheritance.
Comment: The NM_000023.4: c.312+19A>C variant in SGCA is an intronic variant that does not occur in a splice region (+7/-21). The filtering allele frequency for this variant is 0.0009193 for the South Asian population in gnomAD v4.1.0 (the lower threshold of the 95% CI of 94/85460 exome chromosomes), which is greater than the ClinGen LGMD VCEP threshold of 0.0009 for BS1, and therefore meets this criterion (BS1). The SpliceAI prediction score for this variant is 0.19, which is greater than the VCEP threshold of 0.05 (BP4, BP7 not met). In summary, this variant meets the criteria to be classified as Likely Benign for autosomal recessive limb girdle muscular dystrophy based on the ACMG/AMP criteria applied, as specified by the LGMD VCEP (LGMD VCEP specifications version 1.0.0; 01/09/2025): BS1.

Labcorp Genetics (formerly Invitae), Labcorp
Classification: Likely benign for Autosomal recessive limb-girdle muscular dystrophy type 2D. Last evaluated: 2026-01-26. Review status: criteria provided, single submitter. Criteria: Invitae Variant Classification Sherloc (09022015). Collection method: clinical testing. Allele origin: germline. Not counted in ClinVar's aggregate classification.

Blueprint Genetics
Classification: Likely benign. Last evaluated: 2024-11-05. Review status: criteria provided, single submitter. Criteria: ACMG Guidelines, 2015. Collection method: clinical testing. Allele origin: germline. Not counted in ClinVar's aggregate classification.

Genome-Nilou Lab
Classification: Likely benign for Autosomal recessive limb-girdle muscular dystrophy type 2D. Last evaluated: 2023-02-08. Review status: criteria provided, single submitter. Criteria: ACMG Guidelines, 2015. Collection method: clinical testing. Allele origin: germline. Not counted in ClinVar's aggregate classification.

GeneDx
Classification: Likely benign. Last evaluated: 2016-08-08. Review status: criteria provided, single submitter. Criteria: GeneDx Variant Classification (06012015). Collection method: clinical testing. Allele origin: germline. Affected: yes. Not counted in ClinVar's aggregate classification.
Comment: This variant is considered likely benign or benign based on one or more of the following criteria: it is a conservative change, it occurs at a poorly conserved position in the protein, it is predicted to be benign by multiple in silico algorithms, and/or has population frequency not consistent with disease.